The following is an entry in ClinVar:

NM_030912.3(TRIM8):c.1375C>G (p.Gln459Glu)

Gene: TRIM8 (tripartite motif containing 8; plus strand). Cytogenetic location: 10q24.32.
Variant type: single nucleotide variant.
Coding change: c.1375C>G on transcript NM_030912.3 (MANE Select); coding-DNA position 1375, C replaced by G.
Protein change: p.Gln459Glu; replaces glutamine 459 with glutamic acid.
Molecular consequence: missense variant. On other transcripts: non-coding transcript variant (1).
Genome position (GRCh38, 1-based): chr10:102,657,073, C>G. VCF-style: chr10-102657073-C-G. GRCh37 (hg19) VCF-style: chr10-104416830-C-G.
Other names: c.1279C>G, p.Gln427Glu (NM_001345950.1); short protein forms Q427E, Q459E.
Identifiers: ClinVar variation 3698002 (VCV003698002.2).

ClinVar aggregate classification (germline): Uncertain significance (1 of 4 stars; one submission).

Submission:

Labcorp Genetics (formerly Invitae), Labcorp
Classification: Uncertain significance. Last evaluated: 2024-08-24. Review status: criteria provided, single submitter. Criteria: Invitae Variant Classification Sherloc (09022015). Collection method: clinical testing. Allele origin: germline.
Comment: This sequence change replaces glutamine, which is neutral and polar, with glutamic acid, which is acidic and polar, at codon 459 of the TRIM8 protein (p.Gln459Glu). This variant is not present in population databases (gnomAD no frequency). This variant has not been reported in the literature in individuals affected with TRIM8-related conditions. An algorithm developed to predict the effect of missense changes on protein structure and function (PolyPhen-2) suggests that this variant is likely to be disruptive. In summary, the available evidence is currently insufficient to determine the role of this variant in disease. Therefore, it has been classified as a Variant of Uncertain Significance.